The following is an entry in ClinVar:

ClinVar aggregate classification (germline): Conflicting classifications of pathogenicity. Review status: criteria provided, conflicting classifications (1 of 4 stars). 2 submissions from 2 submitters: Uncertain significance (1); Likely benign (1). Last evaluated 2026-02-03.

Conditions:
Spinocerebellar ataxia, autosomal recessive, with axonal neuropathy 2 (SCAN2). Also called: Ataxia-ocular apraxia-2; Ataxia with Oculomotor Apraxia Type 2; ATAXIA-OCULOMOTOR APRAXIA 2; Ataxia with Oculomotor Apraxia. Identifiers: Orphanet 64753, MedGen C1853761, MONDO:0018996, OMIM 606002.
Amyotrophic lateral sclerosis type 4 (ALS4). Also called: AMYOTROPHIC LATERAL SCLEROSIS 4, JUVENILE; NEURONOPATHY, DISTAL HEREDITARY MOTOR, WITH PYRAMIDAL FEATURES. Identifiers: Orphanet 357043, MedGen C1865409, MONDO:0011223, OMIM 602433.

gnomAD v4.1: 51 of 1,614,094 alleles (0.0032%); highest among the groups gnomAD compares: Non-Finnish European, 0.0039%; no homozygotes.

Submissions (2):

GeneDx
Classification: Uncertain significance. Last evaluated: 2026-02-03. Review status: criteria provided, single submitter. Criteria: GeneDx Variant Classification Process June 2021. Collection method: clinical testing. Allele origin: germline.
Comment: Reported in one individual from a cohort of patients with sporadic ALS (PMID: 25299611); In silico analysis suggests that this missense variant does not alter protein structure/function; This variant is associated with the following publications: (PMID: 25299611)

Labcorp Genetics (formerly Invitae), Labcorp
Classification: Likely benign for Amyotrophic lateral sclerosis type 4; Spinocerebellar ataxia, autosomal recessive, with axonal neuropathy 2. Last evaluated: 2024-12-04. Review status: criteria provided, single submitter. Criteria: Invitae Variant Classification Sherloc (09022015). Collection method: clinical testing. Allele origin: germline.

NM_015046.7(SETX):c.5042A>G (p.Tyr1681Cys)

Gene: SETX (senataxin; minus strand). Cytogenetic location: 9q34.13.
Variant type: single nucleotide variant.
Coding change: c.5042A>G on transcript NM_015046.7 (MANE Select); coding-DNA position 5042, A replaced by G.
Protein change: p.Tyr1681Cys; replaces tyrosine 1681 with cysteine.
Molecular consequence: missense variant.
Genome position (GRCh38, 1-based): chr9:132,326,556, T>C on the plus strand (A>G on the coding strand, the complement: SETX is on the minus strand). VCF-style: chr9-132326556-T-C. GRCh37 (hg19) VCF-style: chr9-135201943-T-C.
Other names: c.5042A>G, p.Tyr1681Cys (NM_001351527.2, NM_001351528.2); short protein forms Y1681C.
Identifiers: ClinVar variation 3763632 (VCV003763632.3).